The following is an entry in ClinVar:

ClinVar aggregate classification (germline): Benign. Review status: criteria provided, single submitter (1 of 4 stars). 2 submissions from 1 submitter: Benign (2). Last evaluated 2018-01-13.

Conditions:
Susceptibility to mononeuropathy of the median nerve, mild. Also called: CARPAL TUNNEL SYNDROME, SUSCEPTIBILITY TO. Identifiers: MedGen C3150596, MONDO:0013237, OMIM 613353.
Charcot-Marie-Tooth disease type 4C (CMT4C). Also called: CHARCOT-MARIE-TOOTH DISEASE, DEMYELINATING, AUTOSOMAL RECESSIVE, TYPE 4C; CMT 4C; Charcot-Marie-Tooth Neuropathy Type 4C (CMT4C); CHARCOT-MARIE-TOOTH DISEASE, DEMYELINATING, TYPE 4C; SH3TC2-Related Hereditary Motor and Sensory Neuropathy. Identifiers: Orphanet 99949, MedGen C1866636, MONDO:0011113, OMIM 601596.

Allele frequency attached by ClinVar (database versions not stated): gnomAD 0.00361 and 0.00374; 1000 Genomes Project 0.00619; 1000 Genomes Project 30x 0.00703; TOPMed 0.00793.
gnomAD v4.1: 572 of 152,316 alleles (0.38%); highest among the groups gnomAD compares: Admixed American, 3.2%; 20 homozygotes.

Submissions (2):

Illumina Laboratory Services, Illumina
Classification: Benign for Charcot-Marie-Tooth disease type 4C. Last evaluated: 2018-01-13. Review status: criteria provided, single submitter. Criteria: ICSL Variant Classification Criteria 13 December 2019. Collection method: clinical testing. Allele origin: germline.
Comment: This variant was observed in the ICSL laboratory as part of a predisposition screen in an ostensibly healthy population. It had not been previously curated by ICSL or reported in the Human Gene Mutation Database (HGMD: prior to June 1st, 2018), and was therefore a candidate for classification through an automated scoring system. Utilizing variant allele frequency, disease prevalence and penetrance estimates, and inheritance mode, an automated score was calculated to assess if this variant is too frequent to cause the disease. Based on the score and internal cut-off values, a variant classified as benign is not then subjected to further curation. The score for this variant resulted in a classification of benign for this disease.

Illumina Laboratory Services, Illumina
Classification: Benign for Susceptibility to mononeuropathy of the median nerve, mild. Last evaluated: 2018-01-13. Review status: criteria provided, single submitter. Criteria: ICSL Variant Classification Criteria 13 December 2019. Collection method: clinical testing. Allele origin: germline.
Comment: the same text as in the submission from Illumina Laboratory Services, Illumina above.

NM_024577.4(SH3TC2):c.*6051G>A

Gene: SH3TC2 (SH3 domain and tetratricopeptide repeats 2; minus strand). Cytogenetic location: 5q32.
Variant type: single nucleotide variant.
Coding change: c.*6051G>A on transcript NM_024577.4 (MANE Select); 6051 bases downstream of the stop codon, G replaced by A.
Molecular consequence: 3 prime UTR variant.
Genome position (GRCh38, 1-based): chr5:148,998,660, C>T on the plus strand (G>A on the coding strand, the complement: SH3TC2 is on the minus strand). VCF-style: chr5-148998660-C-T. GRCh37 (hg19) VCF-style: chr5-148378223-C-T.
Identifiers: ClinVar variation 351797 (VCV000351797.5), dbSNP rs146293131, ClinGen allele CA10620680.
Genomic context (GRCh38, chr5:148,998,660, plus strand): 5'-CTGCCTCGCAGTCTGTACTGGGAAGCCAAGCCAAGCAGCCCCACTGTGCAGTCCTGGCCA[C>T]GCAAGTTATTCTTGATCCTGCACCATGGCAGCTGGGGAGAATCCCCACCCCCTAAGCAGT-3'